The following is an entry in ClinVar:

NM_017763.6(RNF43):c.2279C>T (p.Pro760Leu)

Gene: RNF43 (ring finger protein 43; minus strand). Cytogenetic location: 17q22.
Variant type: single nucleotide variant.
Coding change: c.2279C>T on transcript NM_017763.6 (MANE Select); coding-DNA position 2279, C replaced by T.
Protein change: p.Pro760Leu; replaces proline 760 with leucine.
Molecular consequence: missense variant.
Genome position (GRCh38, 1-based): chr17:58,357,497, G>A on the plus strand (C>T on the coding strand, the complement: RNF43 is on the minus strand). VCF-style: chr17-58357497-G-A. GRCh37 (hg19) VCF-style: chr17-56434858-G-A.
Other names: c.2279C>T, p.Pro760Leu (NM_001305544.3); c.1898C>T, p.Pro633Leu (NM_001305545.2); short protein forms P633L, P760L.
Identifiers: ClinVar variation 843001 (VCV000843001.15), dbSNP rs760426158, ClinGen allele CA8673041.

ClinVar aggregate classification (germline): Uncertain significance. Review status: criteria provided, multiple submitters, no conflicts (2 of 4 stars). 5 submissions from 5 submitters: Uncertain significance (5). Last evaluated 2025-12-29.

Conditions:
Sessile serrated polyposis cancer syndrome (SSPCS). Identifiers: Orphanet 157798, MedGen C4310714, MONDO:0014919, OMIM 617108.

Allele frequency attached by ClinVar (database versions not stated): ExAC 0.00001; gnomAD exomes 0.00001; TOPMed 0.00001; gnomAD 0.00002.
gnomAD v4.1: 21 of 1,614,108 alleles (0.0013%); highest among the groups gnomAD compares: Middle Eastern, 0.016%; no homozygotes.

Submissions (5):

Center for Genomic Medicine, Rigshospitalet, Copenhagen University Hospital
Classification: Uncertain significance. Last evaluated: 2025-12-29. Review status: criteria provided, single submitter. Criteria: ACMG Guidelines, 2015. Collection method: clinical testing. Allele origin: germline.
Comment: Classification criteria: BP4

Ambry Genetics
Classification: Uncertain significance. Last evaluated: 2024-12-14. Review status: criteria provided, single submitter. Criteria: Ambry Variant Classification Scheme 2023. Collection method: clinical testing. Allele origin: germline.
Comment: The p.P760L variant (also known as c.2279C>T), located in coding exon 8 of the RNF43 gene, results from a C to T substitution at nucleotide position 2279. The proline at codon 760 is replaced by leucine, an amino acid with similar properties. This amino acid position is conserved. In addition, this alteration is predicted to be tolerated by in silico analysis. Based on the available evidence, the clinical significance of this variant remains unclear.

Labcorp Genetics (formerly Invitae), Labcorp
Classification: Uncertain significance. Last evaluated: 2024-08-06. Review status: criteria provided, single submitter. Criteria: Invitae Variant Classification Sherloc (09022015). Collection method: clinical testing. Allele origin: germline.
Comment: This sequence change replaces proline, which is neutral and non-polar, with leucine, which is neutral and non-polar, at codon 760 of the RNF43 protein (p.Pro760Leu). This variant is present in population databases (rs760426158, gnomAD 0.008%). This variant has not been reported in the literature in individuals affected with RNF43-related conditions. ClinVar contains an entry for this variant (Variation ID: 843001). An algorithm developed to predict the effect of missense changes on protein structure and function (PolyPhen-2) suggests that this variant is likely to be disruptive. In summary, the available evidence is currently insufficient to determine the role of this variant in disease. Therefore, it has been classified as a Variant of Uncertain Significance.

GeneDx
Classification: Uncertain significance. Last evaluated: 2024-01-04. Review status: criteria provided, single submitter. Criteria: GeneDx Variant Classification Process June 2021. Collection method: clinical testing. Allele origin: germline. Affected: yes.
Comment: Not observed at significant frequency in large population cohorts (gnomAD); In silico analysis supports that this missense variant has a deleterious effect on protein structure/function; Has not been previously published as pathogenic or benign to our knowledge; Variants in candidate genes are classified as variants of uncertain significance in accordance with ACMG guidelines (PMID: 25741868)

Baylor Genetics
Classification: Uncertain significance for Sessile serrated polyposis cancer syndrome. Last evaluated: 2023-06-09. Review status: criteria provided, single submitter. Criteria: ACMG Guidelines, 2015. Collection method: clinical testing. Allele origin: unknown.